The following is an entry in ClinVar:

NM_000057.4(BLM):c.1969A>G (p.Lys657Glu)

Gene: BLM (BLM RecQ like helicase; plus strand). Cytogenetic location: 15q26.1.
Variant type: single nucleotide variant.
Coding change: c.1969A>G on transcript NM_000057.4 (MANE Select); coding-DNA position 1969, A replaced by G.
Protein change: p.Lys657Glu; replaces lysine 657 with glutamic acid.
Molecular consequence: missense variant.
Genome position (GRCh38, 1-based): chr15:90,763,052, A>G. VCF-style: chr15-90763052-A-G. GRCh37 (hg19) VCF-style: chr15-91306282-A-G.
Other names: c.1969A>G (LRG_20t1); c.1969A>G, p.Lys657Glu (NM_001287246.2, NM_001287247.2); c.844A>G, p.Lys282Glu (NM_001287248.2); short protein forms K657E, K282E.
Identifiers: ClinVar variation 485356 (VCV000485356.10), dbSNP rs758782238, ClinGen allele CA7738630.

ClinVar aggregate classification (germline): Uncertain significance. Review status: criteria provided, multiple submitters, no conflicts (2 of 4 stars). 3 submissions from 3 submitters: Uncertain significance (2). 1 of the submissions does not count toward it. Last evaluated 2025-02-01.

Conditions:
Hereditary cancer-predisposing syndrome. Also called: Neoplastic Syndromes, Hereditary; Tumor predisposition; Hereditary Cancer Syndrome; Hereditary neoplastic syndrome. Identifiers: Orphanet 140162, MedGen C0027672, MeSH D009386, MONDO:0015356.
Bloom syndrome (BLM). Also called: Bloom-Torre-Machacek syndrome. Identifiers: Orphanet 125, MedGen C0005859, MONDO:0008876, OMIM 210900.

Allele frequency attached by ClinVar (database versions not stated): gnomAD exomes below 0.00001; ExAC 0.00001; gnomAD 0.00001; TOPMed 0.00002.
gnomAD v4.1: 1 of 1,613,994 alleles (0.000062%); highest among the groups gnomAD compares: African/African-American, 0.0013%; no homozygotes.

Submissions (3):

Ambry Genetics
Classification: Uncertain significance for Hereditary cancer-predisposing syndrome. Last evaluated: 2025-02-01. Review status: criteria provided, single submitter. Criteria: Ambry Variant Classification Scheme 2023. Collection method: clinical testing. Allele origin: germline.
Comment: The p.K657E variant (also known as c.1969A>G), located in coding exon 7 of the BLM gene, results from an A to G substitution at nucleotide position 1969. The lysine at codon 657 is replaced by glutamic acid, an amino acid with similar properties. This amino acid position is highly conserved in available vertebrate species. In addition, the in silico prediction for this alteration is inconclusive. Since supporting evidence is limited at this time, the clinical significance of this alteration remains unclear.

Labcorp Genetics (formerly Invitae), Labcorp
Classification: Uncertain significance for Bloom syndrome. Last evaluated: 2022-12-09. Review status: criteria provided, single submitter. Criteria: Invitae Variant Classification Sherloc (09022015). Collection method: clinical testing. Allele origin: germline.
Comment: In summary, the available evidence is currently insufficient to determine the role of this variant in disease. Therefore, it has been classified as a Variant of Uncertain Significance. Advanced modeling of protein sequence and biophysical properties (such as structural, functional, and spatial information, amino acid conservation, physicochemical variation, residue mobility, and thermodynamic stability) performed at Invitae indicates that this missense variant is not expected to disrupt BLM protein function. ClinVar contains an entry for this variant (Variation ID: 485356). This variant has not been reported in the literature in individuals affected with BLM-related conditions. This variant is present in population databases (rs758782238, gnomAD 0.007%). This sequence change replaces lysine, which is basic and polar, with glutamic acid, which is acidic and polar, at codon 657 of the BLM protein (p.Lys657Glu).

Natera, Inc.
Classification: Uncertain significance for Bloom syndrome. Last evaluated: 2018-09-18. Review status: no assertion criteria provided. Collection method: clinical testing. Allele origin: germline. Not counted in ClinVar's aggregate classification.